The following is an entry in ClinVar:

NM_023036.6(DNAI2):c.611-2A>G

Gene: DNAI2 (dynein axonemal intermediate chain 2; plus strand). Cytogenetic location: 17q25.1.
Variant type: single nucleotide variant.
Coding change: c.611-2A>G on transcript NM_023036.6 (MANE Select); the canonical splice acceptor site of the intron before coding-DNA position 611, A replaced by G.
Molecular consequence: splice acceptor variant.
Genome position (GRCh38, 1-based): chr17:74,291,018, A>G. VCF-style: chr17-74291018-A-G. GRCh37 (hg19) VCF-style: chr17-72287157-A-G.
Other names: c.611-2A>G (NM_001353167.2, NM_001172810.3).
Identifiers: ClinVar variation 4013413 (VCV004013413.1).
Genomic context (GRCh38, chr17:74,291,018, plus strand): 5'-ACTGGTTGATCCTGTCCTTTTCTTTCCGGGCCTGGTGGGGATAATTTTTTTGTGCTTTAT[A>G]GAAAACCCCAACAAGCCTGAACTTGCTCTGAAGCCATCGTCTCCACTCGTGACGTTGGAG-3'

ClinVar aggregate classification (germline): Uncertain significance (1 of 4 stars; one submission).

Conditions:
Primary ciliary dyskinesia. Also called: Ciliary dyskinesia. Identifiers: Orphanet 244, MedGen C0008780, MONDO:0016575, HP:0012265.

Submission:

Ambry Genetics
Classification: Uncertain significance for Primary ciliary dyskinesia. Last evaluated: 2025-04-17. Review status: criteria provided, single submitter. Criteria: Ambry Variant Classification Scheme 2023. Collection method: clinical testing. Allele origin: germline.
Comment: The c.611-2A>G intronic variant results from an A to G substitution two nucleotides upstream from coding exon 5 in the DNAI2 gene. This variant was reported in individual(s) with features consistent with primary ciliary dyskinesia (Ambry internal data). Alterations that disrupt the canonical splice site are expected to result in aberrant splicing. In silico splice site analysis predicts that this alteration will weaken the native splice acceptor site and will result in the creation or strengthening of a novel splice acceptor site. A resulting transcript is predicted to be in-frame and is not expected to trigger nonsense-mediated mRNAdecay; although, direct evidence is unavailable. This nucleotide position is highly conserved in available vertebrate species. Based on the available evidence, the clinical significance of this variant remains unclear.